The following is an entry in ClinVar:

NM_018062.4(FANCL):c.110A>T (p.His37Leu)

Gene: FANCL (FA complementation group L; minus strand). Cytogenetic location: 2p16.1.
Variant type: single nucleotide variant.
Coding change: c.110A>T on transcript NM_018062.4 (MANE Select); coding-DNA position 110, A replaced by T.
Protein change: p.His37Leu; replaces histidine 37 with leucine.
Molecular consequence: missense variant.
Genome position (GRCh38, 1-based): chr2:58,232,099, T>A on the plus strand (A>T on the coding strand, the complement: FANCL is on the minus strand). VCF-style: chr2-58232099-T-A. GRCh37 (hg19) VCF-style: chr2-58459234-T-A.
Other names: c.110A>T, p.His37Leu (NM_001114636.2, NM_001374615.1, NM_001410792.1); short protein forms H37L.
Identifiers: ClinVar variation 1337470 (VCV001337470.4), dbSNP rs1693641687, ClinGen allele CA347034983.

ClinVar aggregate classification (germline): Uncertain significance (1 of 4 stars; one submission).

Submission:

Genetic Services Laboratory, University of Chicago
Classification: Uncertain significance. Last evaluated: 2019-12-16. Review status: criteria provided, single submitter. Criteria: ACMG Guidelines, 2015. Collection method: clinical testing. Allele origin: germline. Affected: no.
Comment: DNA sequence analysis of the FANCL gene demonstrated a sequence change, c.110A>T, in exon 2 that results in an amino acid change, p.His37Leu. This sequence change does not appear to have been previously described in patients with FANCL-related disorders and has also not been described in population databases (gnomAD, ExAC). The p.His37Leu change affects a moderately conserved amino acid residue located in a domain of the FANCL protein that is known to be functional. In-silico pathogenicity prediction tools (SIFT, PolyPhen2, Align GVGD, REVEL) provide contradictory results for the p.His37Leu substitution.